The following is an entry in ClinVar:

ClinVar aggregate classification (germline): Conflicting classifications of pathogenicity. Review status: criteria provided, conflicting classifications (1 of 4 stars). 3 submissions from 3 submitters: Uncertain significance (1); Benign (1); Likely benign (1). Last evaluated 2025-06-30.

Conditions:
Hereditary cancer-predisposing syndrome. Also called: Tumor predisposition; Neoplastic Syndromes, Hereditary; Hereditary Cancer Syndrome; Hereditary neoplastic syndrome. Identifiers: Orphanet 140162, MedGen C0027672, MeSH D009386, MONDO:0015356.
Multiple endocrine neoplasia, type 2 (MEN2). Identifiers: Orphanet 653, MedGen C4048306, MONDO:0019003. Disease mechanism: gain of function.
Multiple endocrine neoplasia type 2A. Also called: Multiple Endocrine Neoplasia Type 2A (MEN2A); MULTIPLE ENDOCRINE NEOPLASIA, TYPE IIA; PTC SYNDROME; SIPPLE SYNDROME; MEN 2A; MEN-2A syndrome. Identifiers: Orphanet 247698, Orphanet 653, MedGen C0025268, MeSH D018813, MONDO:0008234, OMIM 171400.

Allele frequency attached by ClinVar (database versions not stated): gnomAD exomes below 0.00001; TOPMed below 0.00001; gnomAD 0.00001.
gnomAD v4.1: 2 of 1,613,446 alleles (0.00012%); highest among the groups gnomAD compares: East Asian, 0.0022%; no homozygotes.

Submissions (3):

Labcorp Genetics (formerly Invitae), Labcorp
Classification: Likely benign for Multiple endocrine neoplasia, type 2. Last evaluated: 2025-06-30. Review status: criteria provided, single submitter. Criteria: Invitae Variant Classification Sherloc (09022015). Collection method: clinical testing. Allele origin: germline.

Myriad Genetics, Inc.
Classification: Benign for Multiple endocrine neoplasia type 2A. Last evaluated: 2025-02-25. Review status: criteria provided, single submitter. Criteria: Myriad Autosomal Dominant, Autosomal Recessive and X-Linked Classification Criteria (2023). Collection method: clinical testing. Allele origin: unknown.
Comment: This variant is considered benign. This variant is a silent/synonymous amino acid change and it is not expected to impact splicing.

Ambry Genetics
Classification: Uncertain significance for Hereditary cancer-predisposing syndrome. Last evaluated: 2024-09-13. Review status: criteria provided, single submitter. Criteria: Ambry Variant Classification Scheme 2023. Collection method: clinical testing. Allele origin: germline.
Comment: The c.933G>A variant (also known as p.V311V), located in coding exon 5 of the RET gene, results from a G to A substitution at nucleotide position 933. This nucleotide substitution does not change the valine at codon 311. This nucleotide position is not well conserved in available vertebrate species. In silico splice site analysis predicts that this alteration will result in the creation or strengthening of a novel splice donor site. Based on the available evidence, the clinical significance of this variant remains unclear.

NM_020975.6(RET):c.933G>A (p.Val311=)

Gene: RET (ret proto-oncogene; plus strand). Cytogenetic location: 10q11.21.
Variant type: single nucleotide variant.
Coding change: c.933G>A on transcript NM_020975.6 (MANE Select); coding-DNA position 933, G replaced by A.
Protein change: p.Val311=; no amino-acid change (valine 311 retained).
Molecular consequence: synonymous variant. On other transcripts: intron variant (25).
Genome position (GRCh38, 1-based): chr10:43,106,441, G>A. VCF-style: chr10-43106441-G-A. GRCh37 (hg19) VCF-style: chr10-43601889-G-A.
Other names: c.804G>A, p.Val268= (NM_001406764.1, NM_001406768.1, NM_001406761.1 and 1 more transcripts); c.933G>A, p.Val311= (NM_000323.2, NM_001406765.1, NM_001406743.1 and 6 more transcripts); c.645G>A, p.Val215= (NM_001406766.1, NM_001406767.1, NM_001406770.1); c.171G>A, p.Val57= (NM_001355216.2); c.867+1248G>A (NM_001406772.1, NM_001406769.1); c.626-2590G>A (NM_001406773.1, NM_001406771.1); c.625+3812G>A (NM_001406782.1, NM_001406780.1, NM_001406779.1 and 3 more transcripts); c.738+1248G>A (NM_001406774.1); and 5 more.
Identifiers: ClinVar variation 762696 (VCV000762696.14), dbSNP rs1210305963, ClinGen allele CA469023686.